The following is an entry in ClinVar:

ClinVar aggregate classification (germline): Uncertain significance. Review status: criteria provided, multiple submitters, no conflicts (2 of 4 stars). 2 submissions from 2 submitters: Uncertain significance (2). Last evaluated 2024-08-05.

Conditions:
Classic or attenuated familial adenomatous polyposis. Identifiers: MedGen CN372698, MONDO:0021057.
Hereditary cancer-predisposing syndrome. Also called: Neoplastic Syndromes, Hereditary; Tumor predisposition; Hereditary neoplastic syndrome; Hereditary Cancer Syndrome. Identifiers: Orphanet 140162, MedGen C0027672, MeSH D009386, MONDO:0015356.

Submissions (2):

Ambry Genetics
Classification: Uncertain significance for Hereditary cancer-predisposing syndrome. Last evaluated: 2024-08-05. Review status: criteria provided, single submitter. Criteria: Ambry Variant Classification Scheme 2023. Collection method: clinical testing. Allele origin: germline.
Comment: The p.D1425G variant (also known as c.4274A>G), located in coding exon 15 of the APC gene, results from an A to G substitution at nucleotide position 4274. The aspartic acid at codon 1425 is replaced by glycine, an amino acid with similar properties. This amino acid position is highly conserved in available vertebrate species. In addition, in silico predictors for this gene do not accurately predict pathogenicity. Missense alterations in APC are not a common cause of disease (Spier I et al. Genet Med. 2024 Feb;26(2):100992). Based on the available evidence, the clinical significance of this variant remains unclear.

All of Us Research Program, National Institutes of Health
Classification: Uncertain significance for Classic or attenuated familial adenomatous polyposis. Last evaluated: 2023-11-02. Review status: criteria provided, single submitter. Criteria: ACMG Guidelines, 2015. Collection method: clinical testing. Allele origin: germline. Inheritance: Autosomal dominant inheritance. Observed: 1 variant allele, 1 heterozygote.
Comment: This missense variant replaces aspartic acid with glycine at codon 1425 of the APC protein. Computational prediction is inconclusive regarding the impact of this variant on protein structure and function (internally defined REVEL score threshold 0.5 < inconclusive < 0.7, PMID: 27666373). To our knowledge, functional studies have not been reported for this variant. This variant has not been reported in individuals affected with APC-related disorders in the literature. This variant has not been identified in the general population by the Genome Aggregation Database (gnomAD). The available evidence is insufficient to determine the role of this variant in disease conclusively. Therefore, this variant is classified as a Variant of Uncertain Significance.

This study involves interpretation of variants in research participants for the purpose of population health screening. Participant phenotype was not available at the time of variant classification. Additional details can be found in publication PMID: 35346344, PMCID: PMC8962531

NM_000038.6(APC):c.4274A>G (p.Asp1425Gly)

Gene: APC (APC regulator of Wnt signaling pathway; plus strand). Cytogenetic location: 5q22.2.
Variant type: single nucleotide variant.
Coding change: c.4274A>G on transcript NM_000038.6 (MANE Select); coding-DNA position 4274, A replaced by G.
Protein change: p.Asp1425Gly; replaces aspartic acid 1425 with glycine.
Molecular consequence: missense variant. On other transcripts: non-coding transcript variant (2).
Genome position (GRCh38, 1-based): chr5:112,839,868, A>G. VCF-style: chr5-112839868-A-G. GRCh37 (hg19) VCF-style: chr5-112175565-A-G.
Other names: c.4274A>G, p.Asp1425Gly (NM_001127510.3, NM_001354895.2, NM_001407450.1); c.4220A>G, p.Asp1407Gly (NM_001127511.3); c.4328A>G, p.Asp1443Gly (NM_001354896.2, NM_001407447.1, NM_001407448.1 and 1 more transcripts); c.4304A>G, p.Asp1435Gly (NM_001354897.2); c.4199A>G, p.Asp1400Gly (NM_001354898.2); c.4190A>G, p.Asp1397Gly (NM_001354899.2); c.4151A>G, p.Asp1384Gly (NM_001354900.2); c.4097A>G, p.Asp1366Gly (NM_001354901.2, NM_001407453.1); and 12 more; short protein forms D1041G, D1142G, D1265G, D1296G, D1299G, D1324G, D1334G, D1342G.
Identifiers: ClinVar variation 3074407 (VCV003074407.2), dbSNP rs2149910540, ClinGen allele CA16030696.